The following is an entry in ClinVar:

NM_203486.3(DLL3):c.882del (p.Arg294fs)

Gene: DLL3 (delta like canonical Notch ligand 3; plus strand). Cytogenetic location: 19q13.2.
Variant type: Deletion.
Coding change: c.882del on transcript NM_203486.3 (MANE Select); coding-DNA position 882, one base deleted (G; older notation c.882delG).
Protein change: p.Arg294fs; shifts the reading frame from arginine 294.
Molecular consequence: frameshift variant.
Genome position (GRCh38, 1-based): chr19:39,505,240, G deleted; the last of 2 consecutive G bases (chr19:39,505,239-39,505,240); deleting either gives the same sequence. VCF-style (leftmost placement, unchanged base first): chr19-39505238-AG-A. GRCh37 (hg19) VCF-style: chr19-39995878-AG-A.
Other names: c.882del, p.Arg294fs (NM_016941.4); short protein forms R294fs.
Identifiers: ClinVar variation 2098742 (VCV002098742.4), dbSNP rs2514646442, ClinGen allele CA2580097233.

ClinVar aggregate classification (germline): Pathogenic (1 of 4 stars; one submission).

Submission:

Labcorp Genetics (formerly Invitae), Labcorp
Classification: Pathogenic. Last evaluated: 2022-02-18. Review status: criteria provided, single submitter. Criteria: Invitae Variant Classification Sherloc (09022015). Collection method: clinical testing. Allele origin: germline.
Comment: This sequence change creates a premature translational stop signal (p.Arg294Serfs*18) in the DLL3 gene. It is expected to result in an absent or disrupted protein product. Loss-of-function variants in DLL3 are known to be pathogenic (PMID: 12746394). This variant is not present in population databases (gnomAD no frequency). This variant has not been reported in the literature in individuals affected with DLL3-related conditions. For these reasons, this variant has been classified as Pathogenic.

Literature cited by the submitters: PubMed 12746394.